The following is an entry in ClinVar:

ClinVar aggregate classification (germline): Conflicting classifications of pathogenicity. Review status: criteria provided, conflicting classifications (1 of 4 stars). 3 submissions from 3 submitters: Uncertain significance (1); Likely benign (2). Last evaluated 2026-01-15.

Conditions:
Inborn genetic diseases. Identifiers: MedGen C0950123, MeSH D030342.
Holoprosencephaly sequence (HPE). Also called: Holoprosencephaly. Identifiers: Orphanet 2162, MedGen C0079541, MONDO:0016296, HP:0001360.

Allele frequency attached by ClinVar (database versions not stated): TOPMed 0.00005; gnomAD 0.00009; 1000 Genomes Project 30x 0.00016; gnomAD exomes 0.00019 and 0.00026; ExAC 0.00023.

Submissions (3):

Labcorp Genetics (formerly Invitae), Labcorp
Classification: Likely benign for Holoprosencephaly sequence. Last evaluated: 2026-01-15. Review status: criteria provided, single submitter. Criteria: Invitae Variant Classification Sherloc (09022015). Collection method: clinical testing. Allele origin: germline.

Ambry Genetics
Classification: Uncertain significance for Inborn genetic diseases. Last evaluated: 2024-08-12. Review status: criteria provided, single submitter. Criteria: Ambry Variant Classification Scheme 2023. Collection method: clinical testing. Allele origin: germline.

Illumina Laboratory Services, Illumina
Classification: Likely benign for Holoprosencephaly sequence. Last evaluated: 2017-04-28. Review status: criteria provided, single submitter. Criteria: ICSL Variant Classification Criteria 13 December 2019. Collection method: clinical testing. Allele origin: germline.
Comment: This variant was observed as part of a predisposition screen in an ostensibly healthy population. A literature search was performed for the gene, cDNA change, and amino acid change (where applicable). No publications were found based on this search. Allele frequency data from public databases allowed determination this variant is unlikely to cause disease. Therefore, this variant is classified as likely benign.

NM_003923.3(FOXH1):c.487C>T (p.Pro163Ser)

Gene: FOXH1 (forkhead box H1; minus strand). Cytogenetic location: 8q24.3.
Variant type: single nucleotide variant.
Coding change: c.487C>T on transcript NM_003923.3 (MANE Select); coding-DNA position 487, C replaced by T.
Protein change: p.Pro163Ser; replaces proline 163 with serine.
Molecular consequence: missense variant.
Genome position (GRCh38, 1-based): chr8:144,474,849, G>A on the plus strand (C>T on the coding strand, the complement: FOXH1 is on the minus strand). VCF-style: chr8-144474849-G-A. GRCh37 (hg19) VCF-style: chr8-145700232-G-A.
Other names: short protein forms P163S.
Identifiers: ClinVar variation 700942 (VCV000700942.13), dbSNP rs200115495, ClinGen allele CA4945519.